The following is an entry in ClinVar:

ClinVar aggregate classification (germline): Likely pathogenic (1 of 4 stars; one submission).

gnomAD v4.1: 2 of 1,209,569 alleles (0.00017%); highest among the groups gnomAD compares: Non-Finnish European, 0.00011%; no homozygotes.

Submission:

GeneDx
Classification: Likely pathogenic. Last evaluated: 2026-06-09. Review status: criteria provided, single submitter. Criteria: GeneDx Variant Classification Process June 2021. Collection method: clinical testing. Allele origin: germline.
Comment: Has not been previously published as pathogenic or benign to our knowledge; Not observed at significant frequency in large population cohorts (gnomAD); Canonical splice site variant predicted to result in an in-frame loss of the adjacent exon in a gene for which loss of function is a known mechanism of disease

NM_005120.3(MED12):c.2056-2A>T

Gene: MED12 (mediator complex subunit 12; plus strand). Cytogenetic location: Xq13.1.
Variant type: single nucleotide variant.
Coding change: c.2056-2A>T on transcript NM_005120.3 (MANE Select); the canonical splice acceptor site of the intron before coding-DNA position 2056, A replaced by T.
Molecular consequence: splice acceptor variant.
Genome position (GRCh38, 1-based): chrX:71,124,974, A>T. VCF-style: chrX-71124974-A-T. GRCh37 (hg19) VCF-style: chrX-70344824-A-T.
Identifiers: ClinVar variation 3777300 (VCV003777300.2).